The following is an entry in ClinVar:

ClinVar aggregate classification (germline): Uncertain significance. Review status: criteria provided, multiple submitters, no conflicts (2 of 4 stars). 2 submissions from 2 submitters: Uncertain significance (2). Last evaluated 2025-01-23.

Conditions:
Mosaic variegated aneuploidy syndrome 1 (MVA1). Also called: Warburton-Anyane-Yeboa syndrome. Identifiers: Orphanet 1052, MedGen C1850343, MONDO:0009759, OMIM 257300.
Inborn genetic diseases. Identifiers: MedGen C0950123, MeSH D030342.

Allele frequency attached by ClinVar (database versions not stated): gnomAD exomes 0.00001; TOPMed 0.00002.
gnomAD v4.1: 21 of 1,613,576 alleles (0.0013%); highest among the groups gnomAD compares: Non-Finnish European, 0.0011%; no homozygotes.

Submissions (2):

Labcorp Genetics (formerly Invitae), Labcorp
Classification: Uncertain significance for Mosaic variegated aneuploidy syndrome 1. Last evaluated: 2025-01-23. Review status: criteria provided, single submitter. Criteria: Invitae Variant Classification Sherloc (09022015). Collection method: clinical testing. Allele origin: germline.
Comment: This sequence change replaces arginine, which is basic and polar, with glutamine, which is neutral and polar, at codon 120 of the BUB1B protein (p.Arg120Gln). This variant is present in population databases (no rsID available, gnomAD 0.007%). This variant has not been reported in the literature in individuals affected with BUB1B-related conditions. ClinVar contains an entry for this variant (Variation ID: 950032). An algorithm developed to predict the effect of missense changes on protein structure and function (PolyPhen-2) suggests that this variant is likely to be disruptive. In summary, the available evidence is currently insufficient to determine the role of this variant in disease. Therefore, it has been classified as a Variant of Uncertain Significance.

Ambry Genetics
Classification: Uncertain significance for Inborn genetic diseases. Last evaluated: 2021-08-15. Review status: criteria provided, single submitter. Criteria: Ambry Variant Classification Scheme 2023. Collection method: clinical testing. Allele origin: germline.
Comment: The p.R120Q variant (also known as c.359G>A), located in coding exon 4 of the BUB1B gene, results from a G to A substitution at nucleotide position 359. The arginine at codon 120 is replaced by glutamine, an amino acid with highly similar properties. This amino acid position is conserved. In addition, this alteration is predicted to be deleterious by in silico analysis. Since supporting evidence is limited at this time, the clinical significance of this alteration remains unclear.

NM_001211.6(BUB1B):c.359G>A (p.Arg120Gln)

Gene: BUB1B (BUB1 mitotic checkpoint serine/threonine kinase B; plus strand). Cytogenetic location: 15q15.1.
Variant type: single nucleotide variant.
Coding change: c.359G>A on transcript NM_001211.6 (MANE Select); coding-DNA position 359, G replaced by A.
Protein change: p.Arg120Gln; replaces arginine 120 with glutamine.
Molecular consequence: missense variant.
Genome position (GRCh38, 1-based): chr15:40,170,656, G>A. VCF-style: chr15-40170656-G-A. GRCh37 (hg19) VCF-style: chr15-40462857-G-A.
Other names: short protein forms R120Q.
Identifiers: ClinVar variation 950032 (VCV000950032.13), dbSNP rs1349349252, ClinGen allele CA391679358.